The following is an entry in ClinVar:

NM_000284.4(PDHA1):c.1121_1144dup (p.Asn381_Gln382insProPheGluValArgGlyAlaAsn)

Gene: PDHA1 (pyruvate dehydrogenase E1 subunit alpha 1; plus strand). Cytogenetic location: Xp22.12.
Variant type: Duplication.
Coding change: c.1121_1144dup on transcript NM_000284.4 (MANE Select); coding-DNA positions 1121 to 1144, 24 bases duplicated (CTTTTGAAGTTCGTGGTGCCAATC).
Protein change: p.Asn381_Gln382insProPheGluValArgGlyAlaAsn.
Molecular consequence: inframe insertion.
Genome position (GRCh38, 1-based): chrX:19,359,601-19,359,624, CTTTTGAAGTTCGTGGTGCCAATC duplicated; duplicating any 24 consecutive bases within chrX:19,359,600-19,359,624 gives the same sequence; the c. name uses the placement nearest the transcript's 3' end. VCF-style (leftmost placement, unchanged base first): chrX-19359599-A-ACCTTTTGAAGTTCGTGGTGCCAAT. GRCh37 (hg19) VCF-style: chrX-19377717-A-ACCTTTTGAAGTTCGTGGTGCCAAT.
Other names: c.1235_1258dup, p.Asn419_Gln420insProPheGluValArgGlyAlaAsn (NM_001173454.2); c.1142_1165dup, p.Asn388_Gln389insProPheGluValArgGlyAlaAsn (NM_001173455.2); c.1028_1051dup, p.Asn350_Gln351insProPheGluValArgGlyAlaAsn (NM_001173456.2).
Identifiers: ClinVar variation 4070291 (VCV004070291.1).
Genomic context (GRCh38, chrX:19,359,599, plus strand): 5'-CACGGCCGATCCTGAGCCACCTTTGGAAGAGCTGGGCTACCACATCTACTCCAGCGACCC[A>ACCTTTTGAAGTTCGTGGTGCCAAT]CCTTTTGAAGTTCGTGGTGCCAATCAGTGGATCAAGTTTAAGTCAGTCAGTTAAGGGGAG-3'

ClinVar aggregate classification (germline): Pathogenic (0 of 4 stars; one submission).

Conditions:
Pyruvate dehydrogenase E1-alpha deficiency (PDHAD). Also called: ATAXIA, INTERMITTENT, WITH PYRUVATE DEHYDROGENASE DEFICIENCY; ATAXIA WITH LACTIC ACIDOSIS I; ATAXIA, INTERMITTENT, WITH ABNORMAL PYRUVATE METABOLISM; Ataxia, intermittent, with pyruvate dehydrogenase, or decarboxylase, deficiency. Identifiers: Orphanet 79243, MedGen C1839413, MONDO:0010717, OMIM 312170.

Submission:

PDHA1 Study Group, University Children’s Hospital, Paracelsus Medical University
Classification: Pathogenic for Pyruvate dehydrogenase E1-alpha deficiency. Last evaluated: 2024-10-15. Review status: no assertion criteria provided. Collection method: research. Allele origin: de novo. Affected: yes. Observed: 2 variant alleles.
Comment: The NM_000284.3:c.1121_1144dup (p.Pro374_Asn381dup) change is a deletion-insertion (delins) variant in PDHA1 gene. In total, 2 individuals were diagnosed with PDHA1-related Pyruvate dehydrogenase complex (PDHc) deficiency (MIM #312170). Among them, 1 case had confirmed de novo occurrence. The variant has been reported in 2 published cases (PMIDs: 30634555, 20002461). Last literature search: July 12, 2024. This variant is absent or extremely rare in population-based cohorts in the Genome Aggregation Database (gnomAD). Individuals harboring this variant presented with clinical features compatible with PDHA1-related PDHc deficiency. In summary, this variant meets criteria to be classified as pathogenic (P) for PDHA1-related PDHc deficiency based on the ACMG/AMP criteria applied: PVS1, PM2, PM7 (last assessment October 15, 2024).

Literature cited by the submitters: PubMed 30634555; PubMed 20002461; DOI 10.1093/brain/awaf430.